The following is an entry in ClinVar:

ClinVar aggregate classification (germline): Uncertain significance. Review status: criteria provided, multiple submitters, no conflicts (2 of 4 stars). 3 submissions from 3 submitters: Uncertain significance (3). Last evaluated 2024-12-31.

Conditions:
Inborn genetic diseases. Identifiers: MedGen C0950123, MeSH D030342.
Developmental delay, hypotonia, musculoskeletal defects, and behavioral abnormalities. Identifiers: MedGen C5562012, MONDO:0859202, OMIM 619595.
Floating-Harbor syndrome (FLHS). Also called: Short stature with delayed bone age, expressive language delay, a triangular face with a prominent nose and deep-set eyes; Pelletier-Leisti syndrome; SRCAP-Related Floating-Harbor Syndrome. Identifiers: Orphanet 2044, MedGen C0729582, MONDO:0007621, OMIM 136140.

Allele frequency attached by ClinVar (database versions not stated): ExAC 0.00002; gnomAD 0.00002; gnomAD exomes 0.00002; TOPMed 0.00002; ESP Exome Variant Server 0.00008.
gnomAD v4.1: 27 of 1,614,128 alleles (0.0017%); highest among the groups gnomAD compares: Non-Finnish European, 0.0023%; no homozygotes.

Submissions (3):

Ambry Genetics
Classification: Uncertain significance for Inborn genetic diseases. Last evaluated: 2024-12-31. Review status: criteria provided, single submitter. Criteria: Ambry Variant Classification Scheme 2023. Collection method: clinical testing. Allele origin: germline.

Fulgent Genetics
Classification: Uncertain significance for Floating-Harbor syndrome; Developmental delay, hypotonia, musculoskeletal defects, and behavioral abnormalities. Last evaluated: 2024-06-03. Review status: criteria provided, single submitter. Criteria: ACMG Guidelines, 2015. Collection method: clinical testing. Allele origin: germline.

Labcorp Genetics (formerly Invitae), Labcorp
Classification: Uncertain significance. Last evaluated: 2023-12-03. Review status: criteria provided, single submitter. Criteria: Invitae Variant Classification Sherloc (09022015). Collection method: clinical testing. Allele origin: germline.
Comment: This sequence change replaces leucine, which is neutral and non-polar, with valine, which is neutral and non-polar, at codon 3131 of the SRCAP protein (p.Leu3131Val). This variant is present in population databases (rs370178143, gnomAD 0.003%). This variant has not been reported in the literature in individuals affected with SRCAP-related conditions. Advanced modeling of protein sequence and biophysical properties (such as structural, functional, and spatial information, amino acid conservation, physicochemical variation, residue mobility, and thermodynamic stability) performed at Invitae indicates that this missense variant is not expected to disrupt SRCAP protein function with a negative predictive value of 80%. In summary, the available evidence is currently insufficient to determine the role of this variant in disease. Therefore, it has been classified as a Variant of Uncertain Significance.

NM_006662.3(SRCAP):c.9391C>G (p.Leu3131Val)

Gene: SRCAP (Snf2 related CREBBP activator protein; plus strand). Cytogenetic location: 16p11.2.
Variant type: single nucleotide variant.
Coding change: c.9391C>G on transcript NM_006662.3 (MANE Select); coding-DNA position 9391, C replaced by G.
Protein change: p.Leu3131Val; replaces leucine 3131 with valine.
Molecular consequence: missense variant.
Genome position (GRCh38, 1-based): chr16:30,739,431, C>G. VCF-style: chr16-30739431-C-G. GRCh37 (hg19) VCF-style: chr16-30750752-C-G.
Other names: c.9391C>G (NM_006662.2); short protein forms L3131V.
Identifiers: ClinVar variation 2791373 (VCV002791373.3), dbSNP rs370178143, ClinGen allele CA8012908.